The following is an entry in ClinVar:

ClinVar aggregate classification (germline): Uncertain significance (1 of 4 stars; one submission).

Conditions:
Holoprosencephaly sequence (HPE). Also called: Holoprosencephaly. Identifiers: Orphanet 2162, MedGen C0079541, MONDO:0016296, HP:0001360.

Submission:

Labcorp Genetics (formerly Invitae), Labcorp
Classification: Uncertain significance for Holoprosencephaly sequence. Last evaluated: 2019-01-17. Review status: criteria provided, single submitter. Criteria: Invitae Variant Classification Sherloc (09022015). Collection method: clinical testing. Allele origin: germline.
Comment: Algorithms developed to predict the effect of missense changes on protein structure and function output the following: SIFT: "Tolerated"; PolyPhen-2: "Benign"; Align-GVGD: "Class C0". The valine amino acid residue is found in multiple mammalian species, suggesting that this missense change does not adversely affect protein function. These predictions have not been confirmed by published functional studies and their clinical significance is uncertain. This variant has not been reported in the literature in individuals with FOXH1-related conditions. This variant is not present in population databases (ExAC no frequency). This sequence change replaces alanine with valine at codon 186 of the FOXH1 protein (p.Ala186Val). The alanine residue is weakly conserved and there is a small physicochemical difference between alanine and valine. In summary, the available evidence is currently insufficient to determine the role of this variant in disease. Therefore, it has been classified as a Variant of Uncertain Significance.

NM_003923.3(FOXH1):c.557C>T (p.Ala186Val)

Gene: FOXH1 (forkhead box H1; minus strand). Cytogenetic location: 8q24.3.
Variant type: single nucleotide variant.
Coding change: c.557C>T on transcript NM_003923.3 (MANE Select); coding-DNA position 557, C replaced by T.
Protein change: p.Ala186Val; replaces alanine 186 with valine.
Molecular consequence: missense variant.
Genome position (GRCh38, 1-based): chr8:144,474,779, G>A on the plus strand (C>T on the coding strand, the complement: FOXH1 is on the minus strand). VCF-style: chr8-144474779-G-A. GRCh37 (hg19) VCF-style: chr8-145700162-G-A.
Other names: short protein forms A186V.
Identifiers: ClinVar variation 846850 (VCV000846850.6), dbSNP rs763280219, ClinGen allele CA372724447.
Genomic context (GRCh38, chr8:144,474,779, plus strand): 5'-GTGGGCACCGCCTCCTCCCCACTGTTCCCTGTGCCTGCAGGAACTGGGCTGCTCTGTGGA[G>A]CTAGCCCCGGCCAGGGTGCCCCCTCCCCGGACCCTCCTAGCAGGGACTTGATGCTGAAGC-3'
Protein context (NP_003914.1, residues 176-196): SGEGAPWPGL[Ala186Val]PQSSPVPAGT